The following is an entry in ClinVar:

ClinVar aggregate classification (germline): Uncertain significance (1 of 4 stars; one submission).

Allele frequency attached by ClinVar (database versions not stated): gnomAD 0.00001.
gnomAD v4.1: 1 of 1,614,114 alleles (0.000062%); highest among the groups gnomAD compares: African/African-American, 0.0013%; no homozygotes.

Submission:

Labcorp Genetics (formerly Invitae), Labcorp
Classification: Uncertain significance. Last evaluated: 2025-04-17. Review status: criteria provided, single submitter. Criteria: Invitae Variant Classification Sherloc (09022015). Collection method: clinical testing. Allele origin: germline.
Comment: This sequence change replaces aspartic acid, which is acidic and polar, with valine, which is neutral and non-polar, at codon 1131 of the LRP2 protein (p.Asp1131Val). This variant is not present in population databases (gnomAD no frequency). This variant has not been reported in the literature in individuals affected with LRP2-related conditions. ClinVar contains an entry for this variant (Variation ID: 2077229). Invitae Evidence Modeling of protein sequence and biophysical properties (such as structural, functional, and spatial information, amino acid conservation, physicochemical variation, residue mobility, and thermodynamic stability) indicates that this missense variant is expected to disrupt LRP2 protein function with a positive predictive value of 95%. In summary, the available evidence is currently insufficient to determine the role of this variant in disease. Therefore, it has been classified as a Variant of Uncertain Significance.

NM_004525.3(LRP2):c.3392A>T (p.Asp1131Val)

Gene: LRP2 (LDL receptor related protein 2; minus strand). Cytogenetic location: 2q31.1.
Variant type: single nucleotide variant.
Coding change: c.3392A>T on transcript NM_004525.3 (MANE Select); coding-DNA position 3392, A replaced by T.
Protein change: p.Asp1131Val; replaces aspartic acid 1131 with valine.
Molecular consequence: missense variant.
Genome position (GRCh38, 1-based): chr2:169,244,731, T>A on the plus strand (A>T on the coding strand, the complement: LRP2 is on the minus strand). VCF-style: chr2-169244731-T-A. GRCh37 (hg19) VCF-style: chr2-170101241-T-A.
Other names: short protein forms D1131V.
Identifiers: ClinVar variation 2077229 (VCV002077229.2), dbSNP rs1689939351, ClinGen allele CA349151246.